The following is an entry in ClinVar:

ClinVar aggregate classification (germline): Uncertain significance (1 of 4 stars; one submission).

Conditions:
MHC class I deficiency. Identifiers: Orphanet 34592, MedGen C6024714, MONDO:0011476.

Allele frequency attached by ClinVar (database versions not stated): gnomAD 0.00003; gnomAD exomes 0.00003; TOPMed 0.00003; ExAC 0.00004.
gnomAD v4.1: 48 of 1,612,966 alleles (0.003%); highest among the groups gnomAD compares: African/African-American, 0.004%; no homozygotes.

Submission:

Labcorp Genetics (formerly Invitae), Labcorp
Classification: Uncertain significance for MHC class I deficiency 1. Last evaluated: 2022-06-08. Review status: criteria provided, single submitter. Criteria: Invitae Variant Classification Sherloc (09022015). Collection method: clinical testing. Allele origin: germline.
Comment: This sequence change replaces arginine, which is basic and polar, with histidine, which is basic and polar, at codon 373 of the TAP2 protein (p.Arg373His). This variant is present in population databases (rs750440758, gnomAD 0.008%). This variant has not been reported in the literature in individuals affected with TAP2-related conditions. Algorithms developed to predict the effect of missense changes on protein structure and function output the following: SIFT: "Tolerated"; PolyPhen-2: "Not Available"; Align-GVGD: "Class C0". The histidine amino acid residue is found in multiple mammalian species, which suggests that this missense change does not adversely affect protein function. In summary, the available evidence is currently insufficient to determine the role of this variant in disease. Therefore, it has been classified as a Variant of Uncertain Significance.

NM_001290043.2(TAP2):c.1118G>A (p.Arg373His)

Gene: TAP2 (transporter 2, ATP binding cassette subfamily B member; minus strand). Cytogenetic location: 6p21.32.
Variant type: single nucleotide variant.
Coding change: c.1118G>A on transcript NM_001290043.2 (MANE Select); coding-DNA position 1118, G replaced by A.
Protein change: p.Arg373His; replaces arginine 373 with histidine.
Molecular consequence: missense variant.
Genome position (GRCh38, 1-based): chr6:32,832,652, C>T on the plus strand (G>A on the coding strand, the complement: TAP2 is on the minus strand). VCF-style: chr6-32832652-C-T. GRCh37 (hg19) VCF-style: chr6-32800429-C-T.
Other names: c.1118G>A, p.Arg373His (NM_000544.3, NM_018833.3); short protein forms R373H.
Identifiers: ClinVar variation 1954860 (VCV001954860.2), dbSNP rs750440758, ClinGen allele CA3745993.